The following is an entry in ClinVar:

NM_017534.6(MYH2):c.4163G>T (p.Arg1388Leu)

Genes: MYH2 (myosin heavy chain 2; minus strand), MYHAS (myosin heavy chain gene cluster antisense RNA; plus strand). Cytogenetic location: 17p13.1.
Variant type: single nucleotide variant.
Coding change: c.4163G>T on transcript NM_017534.6 (MANE Select); coding-DNA position 4163, G replaced by T.
Protein change: p.Arg1388Leu; replaces arginine 1388 with leucine.
Molecular consequence: missense variant.
Genome position (GRCh38, 1-based): chr17:10,526,623, C>A on the plus strand (G>T on the coding strand, the complement: MYH2 is on the minus strand). VCF-style: chr17-10526623-C-A. GRCh37 (hg19) VCF-style: chr17-10429940-C-A.
Other names: c.4163G>T, p.Arg1388Leu (NM_001100112.2); short protein forms R1388L.
Identifiers: ClinVar variation 3901631 (VCV003901631.1).

ClinVar aggregate classification (germline): Uncertain significance (1 of 4 stars; one submission).

Submission:

GeneDx
Classification: Uncertain significance. Last evaluated: 2024-12-04. Review status: criteria provided, single submitter. Criteria: GeneDx Variant Classification Process June 2021. Collection method: clinical testing. Allele origin: germline. Affected: yes.
Comment: Not observed at significant frequency in large population cohorts (gnomAD); In silico analysis supports that this missense variant has a deleterious effect on protein structure/function; Has not been previously published as pathogenic or benign to our knowledge